The following is an entry in ClinVar:

NM_017934.7(PHIP):c.1446_1447del (p.Ser484fs)

Gene: PHIP (PHIP subunit of CUL4-Ring ligase complex; minus strand). Cytogenetic location: 6q14.1.
Variant type: Microsatellite.
Coding change: c.1446_1447del on transcript NM_017934.7 (MANE Select); coding-DNA positions 1446 to 1447, 2 bases deleted (CT; older notation c.1446_1447delCT).
Protein change: p.Ser484fs; shifts the reading frame from serine 484.
Molecular consequence: frameshift variant.
Genome position (GRCh38, 1-based): chr6:79,015,159-79,015,160, AG deleted on the plus strand (CT on the coding strand, the reverse complement: PHIP is on the minus strand); deleting any 2 consecutive bases within chr6:79,015,159-79,015,163 gives the same sequence; the c. name uses the placement nearest the transcript's 3' end. VCF-style (leftmost placement, unchanged base first): chr6-79015158-AAG-A. GRCh37 (hg19) VCF-style: chr6-79724875-AAG-A.
Other names: short protein forms S484fs.
Identifiers: ClinVar variation 2785929 (VCV002785929.3), dbSNP rs2482131737, ClinGen allele CA2739273254.

ClinVar aggregate classification (germline): Pathogenic (1 of 4 stars; one submission).

Submission:

Labcorp Genetics (formerly Invitae), Labcorp
Classification: Pathogenic. Last evaluated: 2023-08-17. Review status: criteria provided, single submitter. Criteria: Invitae Variant Classification Sherloc (09022015). Collection method: clinical testing. Allele origin: germline.
Comment: This sequence change creates a premature translational stop signal (p.Ser484Cysfs*4) in the PHIP gene. It is expected to result in an absent or disrupted protein product. Loss-of-function variants in PHIP are known to be pathogenic (PMID: 27900362). For these reasons, this variant has been classified as Pathogenic. This variant has not been reported in the literature in individuals affected with PHIP-related conditions. This variant is not present in population databases (gnomAD no frequency).

Literature cited by the submitters: PubMed 27900362.